The following is an entry in ClinVar:

ClinVar aggregate classification (germline): Uncertain significance (1 of 4 stars; one submission).

Conditions:
POLD1-related polyposis and colorectal cancer syndrome (CRCS10). Also called: Colorectal cancer 10; COLORECTAL CANCER, SUSCEPTIBILITY TO, ON CHROMOSOME 19q; Colorectal cancer, susceptibility to, 10. Identifiers: Orphanet 220460, MedGen C2675481, MONDO:0012953, OMIM 612591.

Submission:

Labcorp Genetics (formerly Invitae), Labcorp
Classification: Uncertain significance for POLD1-related polyposis and colorectal cancer syndrome. Last evaluated: 2022-05-19. Review status: criteria provided, single submitter. Criteria: Invitae Variant Classification Sherloc (09022015). Collection method: clinical testing. Allele origin: germline.
Comment: In summary, the available evidence is currently insufficient to determine the role of this variant in disease. Therefore, it has been classified as a Variant of Uncertain Significance. Algorithms developed to predict the effect of sequence changes on RNA splicing suggest that this variant may create or strengthen a splice site. Algorithms developed to predict the effect of missense changes on protein structure and function are either unavailable or do not agree on the potential impact of this missense change (SIFT: "Tolerated"; PolyPhen-2: "Possibly Damaging"; Align-GVGD: "Class C0"). This variant has not been reported in the literature in individuals affected with POLD1-related conditions. This variant is not present in population databases (gnomAD no frequency). This sequence change replaces asparagine, which is neutral and polar, with serine, which is neutral and polar, at codon 842 of the POLD1 protein (p.Asn842Ser).

NM_002691.4(POLD1):c.2525A>G (p.Asn842Ser)

Gene: POLD1 (DNA polymerase delta 1, catalytic subunit; plus strand). Cytogenetic location: 19q13.33.
Variant type: single nucleotide variant.
Coding change: c.2525A>G on transcript NM_002691.4 (MANE Select); coding-DNA position 2525, A replaced by G.
Protein change: p.Asn842Ser; replaces asparagine 842 with serine.
Molecular consequence: missense variant. On other transcripts: non-coding transcript variant (1).
Genome position (GRCh38, 1-based): chr19:50,414,951, A>G. VCF-style: chr19-50414951-A-G. GRCh37 (hg19) VCF-style: chr19-50918208-A-G.
Other names: c.2525A>G, p.Asn842Ser (NM_001256849.1); c.2603A>G, p.Asn868Ser (NM_001308632.1); short protein forms N842S, N868S.
Identifiers: ClinVar variation 1487773 (VCV001487773.8), dbSNP rs2122467194, ClinGen allele CA406985183.